The following is an entry in ClinVar:

NM_001100818.2(PID1):c.16A>G (p.Thr6Ala)

Gene: PID1 (phosphotyrosine interaction domain containing 1; minus strand). Cytogenetic location: 2q36.3.
Variant type: single nucleotide variant.
Coding change: c.16A>G on transcript NM_001100818.2 (MANE Select); coding-DNA position 16, A replaced by G.
Protein change: p.Thr6Ala; replaces threonine 6 with alanine.
Molecular consequence: missense variant. On other transcripts: 5 prime UTR variant (2).
Genome position (GRCh38, 1-based): chr2:229,271,028, T>C on the plus strand (A>G on the coding strand, the complement: PID1 is on the minus strand). VCF-style: chr2-229271028-T-C. GRCh37 (hg19) VCF-style: chr2-230135744-T-C.
Other names: c.16A>G, p.Thr6Ala (NM_001330157.2); c.-134A>G (NM_001330158.2); c.-103A>G (NM_017933.5); short protein forms T6A.
Identifiers: ClinVar variation 3033804 (VCV003033804.2), dbSNP rs564647280, ClinGen allele CA2151489.

ClinVar aggregate classification (germline): Likely benign (0 of 4 stars; one submission).

Conditions:
PID1-related disorder. Also called: PID1-related condition.

Allele frequency attached by ClinVar (database versions not stated): gnomAD exomes 0.00032; 1000 Genomes Project 30x 0.00047; 1000 Genomes Project 0.00060; ExAC 0.00204; TOPMed 0.00017; gnomAD 0.00024.
gnomAD v4.1: 497 of 1,543,192 alleles (0.032%); highest among the groups gnomAD compares: South Asian, 0.28%; 2 homozygotes.

Submission:

PreventionGenetics, part of Exact Sciences
Classification: Likely benign for PID1-related condition. Last evaluated: 2022-11-01. Review status: no assertion criteria provided. Collection method: clinical testing. Allele origin: germline.
Comment: This variant is classified as likely benign based on ACMG/AMP sequence variant interpretation guidelines (Richards et al. 2015 PMID: 25741868, with internal and published modifications).